The following is an entry in ClinVar:

NM_020778.5(ALPK3):c.4832A>C (p.His1611Pro)

Gene: ALPK3 (alpha kinase 3; plus strand). Cytogenetic location: 15q25.3.
Variant type: single nucleotide variant.
Coding change: c.4832A>C on transcript NM_020778.5 (MANE Select); coding-DNA position 4832, A replaced by C.
Protein change: p.His1611Pro; replaces histidine 1611 with proline.
Molecular consequence: missense variant.
Genome position (GRCh38, 1-based): chr15:84,868,170, A>C. VCF-style: chr15-84868170-A-C. GRCh37 (hg19) VCF-style: chr15-85411401-A-C.
Other names: short protein forms H1611P.
Identifiers: ClinVar variation 2763054 (VCV002763054.3), dbSNP rs2505733310, ClinGen allele CA393365645.

ClinVar aggregate classification (germline): Uncertain significance (1 of 4 stars; one submission).

Submission:

Labcorp Genetics (formerly Invitae), Labcorp
Classification: Uncertain significance. Last evaluated: 2023-09-24. Review status: criteria provided, single submitter. Criteria: Invitae Variant Classification Sherloc (09022015). Collection method: clinical testing. Allele origin: germline.
Comment: This variant has not been reported in the literature in individuals affected with ALPK3-related conditions. This variant is not present in population databases (gnomAD no frequency). This sequence change replaces histidine, which is basic and polar, with proline, which is neutral and non-polar, at codon 1813 of the ALPK3 protein (p.His1813Pro). An algorithm developed to predict the effect of missense changes on protein structure and function (PolyPhen-2) suggests that this variant is likely to be disruptive. In summary, the available evidence is currently insufficient to determine the role of this variant in disease. Therefore, it has been classified as a Variant of Uncertain Significance.